The following is an entry in ClinVar:

ClinVar aggregate classification (germline): Uncertain significance. Review status: criteria provided, multiple submitters, no conflicts (2 of 4 stars). 2 submissions from 2 submitters: Uncertain significance (2). Last evaluated 2025-06-26.

Conditions:
Cardiovascular phenotype. Identifiers: MedGen CN230736.
Catecholaminergic polymorphic ventricular tachycardia 1. Also called: VENTRICULAR TACHYCARDIA, CATECHOLAMINERGIC POLYMORPHIC, 1, WITH OR WITHOUT ATRIAL DYSFUNCTION AND/OR DILATED CARDIOMYOPATHY; RYR2-Related Catecholaminergic Polymorphic Ventricular Tachycardia; VENTRICULAR TACHYCARDIA, STRESS-INDUCED POLYMORPHIC 1. Identifiers: Orphanet 3286, MedGen C1631597, MONDO:0011484, OMIM 604772.

Allele frequency attached by ClinVar (database versions not stated): gnomAD exomes below 0.00001; TOPMed below 0.00001; gnomAD 0.00001.
gnomAD v4.1: 3 of 1,534,168 alleles (0.0002%); highest among the groups gnomAD compares: Non-Finnish European, 0.00026%; no homozygotes.

Submissions (2):

Ambry Genetics
Classification: Uncertain significance for Cardiovascular phenotype. Last evaluated: 2025-06-26. Review status: criteria provided, single submitter. Criteria: Ambry Variant Classification Scheme 2023. Collection method: clinical testing. Allele origin: germline.
Comment: The c.1273+5G>A intronic variant results from a G to A substitution 5 nucleotides after coding exon 19 in the TRDN gene. This nucleotide position is highly conserved in available vertebrate species. In silico splice site analysis predicts that this alteration will not have any significant effect on splicing. Based on the available evidence, the clinical significance of this variant remains unclear.

Labcorp Genetics (formerly Invitae), Labcorp
Classification: Uncertain significance for Catecholaminergic polymorphic ventricular tachycardia 1. Last evaluated: 2022-03-25. Review status: criteria provided, single submitter. Criteria: Invitae Variant Classification Sherloc (09022015). Collection method: clinical testing. Allele origin: germline.
Comment: This sequence change falls in intron 19 of the TRDN gene. It does not directly change the encoded amino acid sequence of the TRDN protein. It affects a nucleotide within the consensus splice site. In summary, the available evidence is currently insufficient to determine the role of this variant in disease. Therefore, it has been classified as a Variant of Uncertain Significance. Variants that disrupt the consensus splice site are a relatively common cause of aberrant splicing (PMID: 17576681, 9536098). Algorithms developed to predict the effect of sequence changes on RNA splicing suggest that this variant is not likely to affect RNA splicing. This variant has not been reported in the literature in individuals affected with TRDN-related conditions. This variant is not present in population databases (gnomAD no frequency).

Literature cited by the submitters: PubMed 17576681 (cited by Labcorp Genetics (formerly Invitae), Labcorp); PubMed 9536098 (cited by Labcorp Genetics (formerly Invitae), Labcorp).

NM_006073.4(TRDN):c.1273+5G>A

Gene: TRDN (triadin; minus strand). Cytogenetic location: 6q22.31.
Variant type: single nucleotide variant.
Coding change: c.1273+5G>A on transcript NM_006073.4 (MANE Select); 5 bases into the intron after coding-DNA position 1273, G replaced by A.
Molecular consequence: intron variant.
Genome position (GRCh38, 1-based): chr6:123,375,600, C>T on the plus strand (G>A on the coding strand, the complement: TRDN is on the minus strand). VCF-style: chr6-123375600-C-T. GRCh37 (hg19) VCF-style: chr6-123696745-C-T.
Other names: c.1276+5G>A (NM_001251987.2); c.1273+5G>A (NM_006073.2).
Identifiers: ClinVar variation 2155259 (VCV002155259.5), dbSNP rs1433759737, ClinGen allele CA818291961.
Genomic context (GRCh38, chr6:123,375,600, plus strand): 5'-AGCAGAAAATTCAAATGAGTAAGCTGCCCAAATATGCTCTTCTTTAAAAATTTTGTTCAA[C>T]ATACTTGCTTTTACTTGTTTGTCACTTGGAACTGTTAATGACAAGAAATAATAAGGTCAA-3'